The following is an entry in ClinVar:

NM_144666.3(DNHD1):c.1867G>A (p.Glu623Lys)

Gene: DNHD1 (dynein heavy chain domain 1; plus strand). Cytogenetic location: 11p15.4.
Variant type: single nucleotide variant.
Coding change: c.1867G>A on transcript NM_144666.3 (MANE Select); coding-DNA position 1867, G replaced by A.
Protein change: p.Glu623Lys; replaces glutamic acid 623 with lysine.
Molecular consequence: missense variant.
Genome position (GRCh38, 1-based): chr11:6,528,551, G>A. VCF-style: chr11-6528551-G-A. GRCh37 (hg19) VCF-style: chr11-6549781-G-A.
Other names: short protein forms E623K.
Identifiers: ClinVar variation 5007893 (VCV005007893.2).

ClinVar aggregate classification (germline): Uncertain significance (1 of 4 stars; one submission).

Conditions:
Spermatogenic failure 65 (SPGF65). Identifiers: MedGen C5562067, MONDO:0030531, OMIM 619712.

gnomAD v4.1: 59 of 1,550,664 alleles (0.0038%); highest among the groups gnomAD compares: East Asian, 0.054%; 1 homozygote.

Submission:

Juno Genomics, Hangzhou Juno Genomics, Inc
Classification: Uncertain significance for Spermatogenic failure 65. Review status: criteria provided, single submitter. Criteria: ACMG Guidelines, 2015. Collection method: clinical testing. Allele origin: germline.
Comment: Absent from controls (or at extremely low frequency if recessive) in Genome Aggregation Database.;Multiple lines of computational evidence suggest no impact on gene or gene product.;Missense variant in a gene that has a low rate of benign missense variation.